The following is an entry in ClinVar:

ClinVar aggregate classification (germline): Conflicting classifications of pathogenicity. Review status: criteria provided, conflicting classifications (1 of 4 stars). 9 submissions from 9 submitters: Uncertain significance (7); Benign (1). 1 of the submissions does not count toward it. Last evaluated 2026-01-25.

Conditions:
Inborn genetic diseases. Identifiers: MedGen C0950123, MeSH D030342.
Nemaline myopathy 2 (NEM2). Also called: Nemaline myopathy 2, autosomal recessive. Identifiers: MedGen C1850569, MONDO:0009725, OMIM 256030.

Allele frequency attached by ClinVar (database versions not stated): TOPMed 0.00017; gnomAD exomes 0.00018 and 0.00026; gnomAD 0.00019 and 0.00021; 1000 Genomes Project 30x 0.00031; ExAC 0.00032; 1000 Genomes Project 0.00040.
gnomAD v4.1: 311 of 1,613,426 alleles (0.019%); highest among the groups gnomAD compares: Middle Eastern, 0.3%; no homozygotes.

Submissions (9):

Labcorp Genetics (formerly Invitae), Labcorp
Classification: Benign for Nemaline myopathy 2. Last evaluated: 2026-01-25. Review status: criteria provided, single submitter. Criteria: Invitae Variant Classification Sherloc (09022015). Collection method: clinical testing. Allele origin: germline.

Dasa
Classification: Uncertain significance. Last evaluated: 2026-01-07. Review status: criteria provided, single submitter. Criteria: DASA Assertion Criteria. Collection method: clinical testing. Allele origin: germline.
Comment: NM_001164508.2(NEB):c.2771A>C (p.Tyr924Ser) is a missense variant that results in the substitution of tyrosine with serine. This classification is supported by population frequency inconsistent with a disease-causing role. The currently available literature and clinical evidence are not sufficient to establish a definitive association between this variant and the reported condition. Therefore, this variant is classified as a variant of uncertain significance.

Revvity Omics, Revvity
Classification: Uncertain significance. Last evaluated: 2025-01-29. Review status: criteria provided, single submitter. Criteria: ACMG Guidelines, 2015. Collection method: clinical testing. Allele origin: germline.

Blueprint Genetics
Classification: Uncertain significance. Last evaluated: 2024-11-21. Review status: criteria provided, single submitter. Criteria: ACMG Guidelines, 2015. Collection method: clinical testing. Allele origin: germline.

CeGaT Center for Human Genetics Tuebingen
Classification: Uncertain significance. Last evaluated: 2024-06-01. Review status: criteria provided, single submitter. Criteria: CeGaT Center For Human Genetics Tuebingen Variant Classification Criteria Version 2. Collection method: clinical testing. Allele origin: germline. Affected: yes. Observed: 2 variant alleles.
Comment: NEB: PM2, BP1

GeneDx
Classification: Uncertain significance. Last evaluated: 2024-03-18. Review status: criteria provided, single submitter. Criteria: GeneDx Variant Classification Process June 2021. Collection method: clinical testing. Allele origin: germline. Affected: yes.
Comment: Identified in a patient with adult-onset myopathy along with NEB variant c.21790G>C. The phase of these two variants (cis/trans) is unknown (Poster presentation; Morales et al., 2017); Also reported in one patient in association with endometriosis; however, rurther research is needed to explore a possible link between variants in the NEB gene and this phenotype (PMID: 37626618); In silico analysis supports that this missense variant has a deleterious effect on protein structure/function; This variant is associated with the following publications: (PMID: 37626618)

Ambry Genetics
Classification: Uncertain significance for Inborn genetic diseases. Last evaluated: 2021-10-22. Review status: criteria provided, single submitter. Criteria: Ambry Variant Classification Scheme 2023. Collection method: clinical testing. Allele origin: germline.

Illumina Laboratory Services, Illumina
Classification: Uncertain significance for Nemaline myopathy 2. Last evaluated: 2017-04-27. Review status: criteria provided, single submitter. Criteria: ICSL Variant Classification Criteria 13 December 2019. Collection method: clinical testing. Allele origin: germline.

Natera, Inc.
Classification: Uncertain significance for Nemaline myopathy type 2. Last evaluated: 2019-11-11. Review status: no assertion criteria provided. Collection method: clinical testing. Allele origin: germline. Not counted in ClinVar's aggregate classification.

NM_001164508.2(NEB):c.2771A>C (p.Tyr924Ser)

Gene: NEB (nebulin; minus strand). Cytogenetic location: 2q23.3.
Variant type: single nucleotide variant.
Coding change: c.2771A>C on transcript NM_001164508.2 (MANE Select); coding-DNA position 2771, A replaced by C.
Protein change: p.Tyr924Ser; replaces tyrosine 924 with serine.
Molecular consequence: missense variant.
Genome position (GRCh38, 1-based): chr2:151,684,842, T>G on the plus strand (A>C on the coding strand, the complement: NEB is on the minus strand). VCF-style: chr2-151684842-T-G. GRCh37 (hg19) VCF-style: chr2-152541356-T-G.
Other names: c.2771A>C, p.Tyr924Ser (NM_001164507.2, NM_001271208.2, NM_004543.5); short protein forms Y924S.
Identifiers: ClinVar variation 465593 (VCV000465593.39), dbSNP rs199903114, ClinGen allele CA1911131.
Genomic context (GRCh38, chr2:151,684,842, plus strand): 5'-CTCTGCAGCGCATATGCCTTCTTGGCAAGGTCCACATTGATGCTATCAGGGGGGTAGCTG[T>G]AACTGTGTAAGATGTGCTTATAATCAACGTCGCTGGCAATTGCCTGAGATTTCTTAGCTT-3'
Protein context (NP_001157980.2, residues 914-934): DVDYKHILHS[Tyr924Ser]SYPPDSINVD